The following is an entry in ClinVar:

NM_152419.3(HGSNAT):c.*2802C>G

Gene: HGSNAT (heparan-alpha-glucosaminide N-acetyltransferase; plus strand). Cytogenetic location: 8p11.1.
Variant type: single nucleotide variant.
Coding change: c.*2802C>G on transcript NM_152419.3 (MANE Select); 2802 bases downstream of the stop codon, C replaced by G.
Molecular consequence: 3 prime UTR variant.
Genome position (GRCh38, 1-based): chr8:43,202,371, C>G. VCF-style: chr8-43202371-C-G. GRCh37 (hg19) VCF-style: chr8-43057514-C-G.
Other names: c.*2802C>G (NM_001363227.2, NM_001363228.2, NM_001363229.2).
Identifiers: ClinVar variation 911833 (VCV000911833.4), dbSNP rs187372766, ClinGen allele CA176078104.

ClinVar aggregate classification (germline): Likely benign (1 of 4 stars; one submission).

Conditions:
Mucopolysaccharidosis, MPS-III-C (MPS3C). Also called: mucopolysaccharidosis type 3C; MUCOPOLYSACCHARIDOSIS, TYPE IIIC; SANFILIPPO SYNDROME C; MPS III C; Mucopolysaccharidosis type IIIC (Sanfilippo C); MPS IIIC (Sanfilippo Syndrome Type C). Identifiers: Orphanet 581, Orphanet 79271, MedGen C0086649, MONDO:0009657, OMIM 252930.

Allele frequency attached by ClinVar (database versions not stated): 1000 Genomes Project 30x 0.00359; 1000 Genomes Project 0.00319; TOPMed 0.00305.

Submission:

Illumina Laboratory Services, Illumina
Classification: Likely benign for Mucopolysaccharidosis, MPS-III-C. Last evaluated: 2018-01-13. Review status: criteria provided, single submitter. Criteria: ICSL Variant Classification Criteria 13 December 2019. Collection method: clinical testing. Allele origin: germline.
Comment: This variant was observed in the ICSL laboratory as part of a predisposition screen in an ostensibly healthy population. It had not been previously curated by ICSL or reported in the Human Gene Mutation Database (HGMD: prior to June 1st, 2018), and was therefore a candidate for classification through an automated scoring system. Utilizing variant allele frequency, disease prevalence and penetrance estimates, and inheritance mode, an automated score was calculated to assess if this variant is too frequent to cause the disease. Based on the score and internal cut-off values, a variant classified as likely benign is not then subjected to further curation. The score for this variant resulted in a classification of likely benign for this disease.